The following is an entry in ClinVar:

ClinVar aggregate classification (germline): Uncertain significance (1 of 4 stars; one submission).

gnomAD v4.1: 4 of 1,614,112 alleles (0.00025%); highest among the groups gnomAD compares: Non-Finnish European, 0.00025%; no homozygotes.

Submission:

Labcorp Genetics (formerly Invitae), Labcorp
Classification: Uncertain significance. Last evaluated: 2024-10-19. Review status: criteria provided, single submitter. Criteria: Invitae Variant Classification Sherloc (09022015). Collection method: clinical testing. Allele origin: germline.
Comment: This sequence change replaces asparagine, which is neutral and polar, with lysine, which is basic and polar, at codon 106 of the FLNB protein (p.Asn106Lys). This variant is present in population databases (rs773000272, gnomAD 0.0009%). This variant has not been reported in the literature in individuals affected with FLNB-related conditions. Invitae Evidence Modeling of protein sequence and biophysical properties (such as structural, functional, and spatial information, amino acid conservation, physicochemical variation, residue mobility, and thermodynamic stability) indicates that this missense variant is not expected to disrupt FLNB protein function with a negative predictive value of 95%. In summary, the available evidence is currently insufficient to determine the role of this variant in disease. Therefore, it has been classified as a Variant of Uncertain Significance.

NM_001457.4(FLNB):c.318C>A (p.Asn106Lys)

Gene: FLNB (filamin B; plus strand). Cytogenetic location: 3p14.3.
Variant type: single nucleotide variant.
Coding change: c.318C>A on transcript NM_001457.4 (MANE Select); coding-DNA position 318, C replaced by A.
Protein change: p.Asn106Lys; replaces asparagine 106 with lysine.
Molecular consequence: missense variant.
Genome position (GRCh38, 1-based): chr3:58,077,071, C>A. VCF-style: chr3-58077071-C-A. GRCh37 (hg19) VCF-style: chr3-58062798-C-A.
Other names: c.318C>A, p.Asn106Lys (NM_001164317.2, NM_001164318.2, NM_001164319.2); short protein forms N106K.
Identifiers: ClinVar variation 3612072 (VCV003612072.2).